The following is an entry in ClinVar:

NM_001018005.2(TPM1):c.773-3T>C

Gene: TPM1 (tropomyosin 1; plus strand). Cytogenetic location: 15q22.2.
Variant type: single nucleotide variant.
Coding change: c.773-3T>C on transcript NM_001018005.2 (MANE Select); 3 bases into the intron before coding-DNA position 773, T replaced by C.
Molecular consequence: intron variant.
Genome position (GRCh38, 1-based): chr15:63,064,061, T>C. VCF-style: chr15-63064061-T-C. GRCh37 (hg19) VCF-style: chr15-63356260-T-C.
Other names: c.898+1416T>C (NM_001365778.1); c.772+1416T>C (NM_001018020.2, NM_001018007.2, NM_001018006.2 and 3 more transcripts); c.773-3T>C (NM_001301244.2, NM_000366.6, NM_001365779.1); c.664+1416T>C (NM_001330351.2, NM_001330344.2, NM_001018008.2 and 2 more transcripts); c.665-3T>C (NM_001365781.2, NM_001365782.1, NM_001330346.2).
Identifiers: ClinVar variation 642576 (VCV000642576.17), dbSNP rs113759732, ClinGen allele CA618532523.
Genomic context (GRCh38, chr15:63,064,061, plus strand): 5'-ACCCTCCATTTCTTGATCACTCTCCATGTTCTTGCACCTCTGCCTTCCACTTCCTGGTCA[T>C]AGACGAGCTGTACGCTCAGAAACTGAAGTACAAAGCCATCAGCGAGGAGCTGGACCACGC-3'

ClinVar aggregate classification (germline): Conflicting classifications of pathogenicity. Review status: criteria provided, conflicting classifications (1 of 4 stars). 6 submissions from 6 submitters: Uncertain significance (3); Likely benign (3). Last evaluated 2025-12-15.

Conditions:
Hypertrophic cardiomyopathy. Also called: HYPERTROPHIC MYOCARDIOPATHY. Identifiers: Orphanet 217569, MedGen C0007194, MeSH D002312, MONDO:0005045, HP:0001639.
Cardiovascular phenotype. Identifiers: MedGen CN230736.
Cardiomyopathy (CMYO). Also called: Cardiomyopathies. Identifiers: Orphanet 167848, MedGen C0878544, MONDO:0004994, HP:0001638. Inheritance: Various modes of inheritance.

Allele frequency attached by ClinVar (database versions not stated): gnomAD 0.00004 and 0.00003; gnomAD exomes below 0.00001; TOPMed 0.00001.
gnomAD v4.1: 11 of 1,613,874 alleles (0.00068%); highest among the groups gnomAD compares: African/African-American, 0.0027%; no homozygotes.

Submissions (6):

Women's Health and Genetics/Laboratory Corporation of America, LabCorp
Classification: Uncertain significance. Last evaluated: 2025-12-15. Review status: criteria provided, single submitter. Criteria: LabCorp Variant Classification Summary - May 2015. Collection method: clinical testing. Allele origin: germline.
Comment: Variant summary: TPM1 c.773-3T>C alters a conserved nucleotide located close to a canonical splice site and therefore could affect mRNA splicing, leading to a significantly altered protein sequence. Consensus agreement among computation tools predict no significant impact on normal splicing. However, these predictions have yet to be confirmed by functional studies. The variant allele was found at a frequency of 9.6e-05 in 31400 control chromosomes (gnomAD). The available data on variant occurrences in the general population are insufficient to allow any conclusion about variant significance. c.773-3T>C has been observed in individuals affected with Hypertrophic Cardiomyopathy (Biagini_2014, Ho_2018). These reports do not provide unequivocal conclusions about association of the variant with Cardiomyopathy. To our knowledge, no experimental evidence demonstrating an impact on protein function has been reported. The following publications have been ascertained in the context of this evaluation (PMID: 25037680, 30297972). ClinVar contains an entry for this variant (Variation ID: 642576). Based on the evidence outlined above, the variant was classified as uncertain significance.

Labcorp Genetics (formerly Invitae), Labcorp
Classification: Uncertain significance for Hypertrophic cardiomyopathy. Last evaluated: 2025-08-24. Review status: criteria provided, single submitter. Criteria: Invitae Variant Classification Sherloc (09022015). Collection method: clinical testing. Allele origin: germline.
Comment: This sequence change falls in intron 8 of the TPM1 gene. It does not directly change the encoded amino acid sequence of the TPM1 protein. It affects a nucleotide within the consensus splice site. This variant is present in population databases (no rsID available, gnomAD 0.004%). This variant has been observed in individual(s) with hypertrophic cardiomyopathy (PMID: 30297972). ClinVar contains an entry for this variant (Variation ID: 642576). Variants that disrupt the consensus splice site are a relatively common cause of aberrant splicing (PMID: 17576681, 9536098). Algorithms developed to predict the effect of sequence changes on RNA splicing suggest that this variant is not likely to affect RNA splicing. In summary, the available evidence is currently insufficient to determine the role of this variant in disease. Therefore, it has been classified as a Variant of Uncertain Significance.

Ambry Genetics
Classification: Uncertain significance for Cardiovascular phenotype. Last evaluated: 2024-03-04. Review status: criteria provided, single submitter. Criteria: Ambry Variant Classification Scheme 2023. Collection method: clinical testing. Allele origin: germline.
Comment: The c.773-3T>C intronic variant results from a T to C substitution 3 nucleotides upstream from coding exon 9 in the TPM1 gene. This variant has been detected in an individual from a hypertrophic cardiomyopathy cohort (Ho CY et al. Circulation, 2018 Oct;138:1387-1398). This nucleotide position is well conserved in available vertebrate species. In silico splice site analysis predicts that this alteration will not have any significant effect on splicing. Based on the available evidence, the clinical significance of this alteration remains unclear.

All of Us Research Program, National Institutes of Health
Classification: Likely benign for Hypertrophic cardiomyopathy. Last evaluated: 2023-04-03. Review status: criteria provided, single submitter. Criteria: ACMG Guidelines, 2015. Collection method: clinical testing. Allele origin: germline. Inheritance: Autosomal dominant inheritance. Observed: 1 variant allele, 1 heterozygote.
Comment: This study involves interpretation of variants in research participants for the purpose of population health screening. Participant phenotype was not available at the time of variant classification. Additional details can be found in publication PMID: 35346344, PMCID: PMC8962531

GeneDx
Classification: Likely benign. Last evaluated: 2021-01-26. Review status: criteria provided, single submitter. Criteria: GeneDx Variant Classification Process June 2021. Collection method: clinical testing. Allele origin: germline. Affected: yes.
Comment: See Variant Classification Assertion Criteria.

Color Diagnostics, LLC DBA Color Health
Classification: Likely benign for Cardiomyopathy. Last evaluated: 2019-03-08. Review status: criteria provided, single submitter. Criteria: ACMG Guidelines, 2015. Collection method: clinical testing. Allele origin: germline.

Literature cited by the submitters: PubMed 25037680 (cited by Women's Health and Genetics/Laboratory Corporation of America, LabCorp); PubMed 30297972 (cited by 3 submitters); PubMed 17576681 (cited by Labcorp Genetics (formerly Invitae), Labcorp); PubMed 9536098 (cited by Labcorp Genetics (formerly Invitae), Labcorp).